The following is an entry in ClinVar:

ClinVar aggregate classification (germline): Pathogenic/Likely pathogenic. Review status: criteria provided, multiple submitters, no conflicts (2 of 4 stars). 3 submissions from 3 submitters: Pathogenic (2); Likely pathogenic (1). Last evaluated 2026-04-13.

Conditions:
Autosomal recessive spinocerebellar ataxia 10. Identifiers: Orphanet 284289, MedGen C3150998, MONDO:0013392, OMIM 613728.

Submissions (3):

Myriad Genetics, Inc.
Classification: Pathogenic for Autosomal recessive spinocerebellar ataxia 10. Last evaluated: 2026-04-13. Review status: criteria provided, single submitter. Criteria: Myriad Autosomal Dominant, Autosomal Recessive and X-Linked Classification Criteria (2023). Collection method: clinical testing. Allele origin: unknown.
Comment: NM_018075.3(ANO10):c.1519delT(Y507Mfs*2) is a frameshift variant classified as pathogenic in the context of spinocerebellar ataxia, ANO10-related. Y507Mfs*2 has not been observed in cases with relevant disease. Relevant functional assessments of this variant are not available in the literature. Y507Mfs*2 has not been observed in referenced population frequency databases. In summary, NM_018075.3(ANO10):c.1519delT(Y507Mfs*2) is a frameshift variant in a gene where loss of function is a known mechanism of disease, is predicted to disrupt protein function, and has been observed more frequently in cases with the relevant disease than in healthy populations. Please note: this variant was assessed in the context of healthy population screening.

Fulgent Genetics
Classification: Likely pathogenic for Autosomal recessive spinocerebellar ataxia 10. Last evaluated: 2024-01-08. Review status: criteria provided, single submitter. Criteria: ACMG Guidelines, 2015. Collection method: clinical testing. Allele origin: germline.

Labcorp Genetics (formerly Invitae), Labcorp
Classification: Pathogenic. Last evaluated: 2023-08-23. Review status: criteria provided, single submitter. Criteria: Invitae Variant Classification Sherloc (09022015). Collection method: clinical testing. Allele origin: germline.
Comment: For these reasons, this variant has been classified as Pathogenic. Algorithms developed to predict the effect of sequence changes on RNA splicing suggest that this variant may disrupt the consensus splice site. This variant has not been reported in the literature in individuals affected with ANO10-related conditions. This variant is not present in population databases (gnomAD no frequency). This sequence change creates a premature translational stop signal (p.Tyr507Metfs*2) in the ANO10 gene. It is expected to result in an absent or disrupted protein product. Loss-of-function variants in ANO10 are known to be pathogenic (PMID: 25089919).

Literature cited by the submitters: PubMed 25089919 (cited by Labcorp Genetics (formerly Invitae), Labcorp).

NM_018075.5(ANO10):c.1519del (p.Tyr507fs)

Gene: ANO10 (anoctamin 10; minus strand). Cytogenetic location: 3p22.1.
Variant type: Deletion.
Coding change: c.1519del on transcript NM_018075.5 (MANE Select); coding-DNA position 1519, one base deleted (T; older notation c.1519delT).
Protein change: p.Tyr507fs; shifts the reading frame from tyrosine 507.
Molecular consequence: frameshift variant.
Genome position (GRCh38, 1-based): chr3:43,555,427, A deleted on the plus strand (T on the coding strand, the reverse complement: ANO10 is on the minus strand); the first of 2 consecutive A bases (chr3:43,555,427-43,555,428); deleting either gives the same sequence. VCF-style (leftmost placement, unchanged base first): chr3-43555426-TA-T. GRCh37 (hg19) VCF-style: chr3-43596918-TA-T.
Other names: c.1519del, p.Tyr507fs (NM_001204831.3, NM_001346463.2, NM_001346464.2 and 3 more transcripts); c.1321del, p.Tyr441fs (NM_001204832.3, NM_001346466.2, NM_001346469.2); c.1186del, p.Tyr396fs (NM_001204833.3); c.949del, p.Tyr317fs (NM_001204834.3); short protein forms Y441fs, Y317fs, Y396fs, Y507fs.
Identifiers: ClinVar variation 2864526 (VCV002864526.5), dbSNP rs1298679975, ClinGen allele CA907387114.